The following is an entry in ClinVar:

NM_000466.3(PEX1):c.3207+1G>A

Genes: GATAD1 (GATA zinc finger domain containing 1; plus strand), PEX1 (peroxisomal biogenesis factor 1; minus strand). Cytogenetic location: 7q21.2.
Variant type: single nucleotide variant.
Coding change: c.3207+1G>A on transcript NM_000466.3 (MANE Select); the canonical splice donor site of the intron after coding-DNA position 3207, G replaced by A.
Molecular consequence: splice donor variant.
Genome position (GRCh38, 1-based): chr7:92,492,952, C>T on the plus strand (G>A on the coding strand, the complement: PEX1 is on the minus strand). VCF-style: chr7-92492952-C-T. GRCh37 (hg19) VCF-style: chr7-92122266-C-T.
Other names: c.3036+1G>A (NM_001282677.2); c.2583+1G>A (NM_001282678.2).
Identifiers: ClinVar variation 1197686 (VCV001197686.2), dbSNP rs267608181, ClinGen allele CA368165784.
Genomic context (GRCh38, chr7:92,492,952, plus strand): 5'-TTGACATTGTACTTCTTTTATCACTCATAAAATGTCATAACAACTTCCTCATATAACTTG[C>T]CTGGAGTCCACTCGAGAGCAGCATTCCATGTAAGGCCTCCAATTGGGCATTGTAAAGTAA-3'

ClinVar aggregate classification (germline): Pathogenic (1 of 4 stars; one submission).

Submission:

GeneDx
Classification: Pathogenic. Last evaluated: 2021-02-17. Review status: criteria provided, single submitter. Criteria: GeneDx Variant Classification Process June 2021. Collection method: clinical testing. Allele origin: germline. Affected: yes.
Comment: Canonical splice site variant predicted to result in an in-frame deletion of a critical region; Not observed in large population cohorts (Lek et al., 2016); Has not been previously published as pathogenic or benign to our knowledge